The following is an entry in ClinVar:

NM_000083.3(CLCN1):c.1149C>T (p.Ser383=)

Gene: CLCN1 (chloride voltage-gated channel 1; plus strand). Cytogenetic location: 7q34.
Variant type: single nucleotide variant.
Coding change: c.1149C>T on transcript NM_000083.3 (MANE Select); coding-DNA position 1149, C replaced by T.
Protein change: p.Ser383=; no amino-acid change (serine 383 retained).
Molecular consequence: synonymous variant. On other transcripts: non-coding transcript variant (1).
Genome position (GRCh38, 1-based): chr7:143,331,635, C>T. VCF-style: chr7-143331635-C-T. GRCh37 (hg19) VCF-style: chr7-143028728-C-T.
Identifiers: ClinVar variation 2928012 (VCV002928012.3), dbSNP rs376144544, ClinGen allele CA168213301.

ClinVar aggregate classification (germline): Uncertain significance (1 of 4 stars; one submission).

Conditions:
Congenital myotonia, autosomal dominant form (THD). Also called: THOMSEN DISEASE; Myotonia congenita autosomal dominant. Identifiers: Orphanet 614, MedGen C2936781, MONDO:0008055, OMIM 160800.
Congenital myotonia, autosomal recessive form. Also called: BECKER DISEASE; Becker Generalized Myotonia; myotonia congenita, autosomal recessive. Identifiers: Orphanet 614, MedGen C0751360, MONDO:0009715, OMIM 255700.

Submission:

Labcorp Genetics (formerly Invitae), Labcorp
Classification: Uncertain significance for Congenital myotonia, autosomal recessive form; Congenital myotonia, autosomal dominant form. Last evaluated: 2023-06-15. Review status: criteria provided, single submitter. Criteria: Invitae Variant Classification Sherloc (09022015). Collection method: clinical testing. Allele origin: germline.
Comment: This sequence change affects codon 383 of the CLCN1 mRNA. It is a 'silent' change, meaning that it does not change the encoded amino acid sequence of the CLCN1 protein. This variant is not present in population databases (gnomAD no frequency). This variant has not been reported in the literature in individuals affected with CLCN1-related conditions. Algorithms developed to predict the effect of sequence changes on RNA splicing suggest that this variant may disrupt the consensus splice site. In summary, the available evidence is currently insufficient to determine the role of this variant in disease. Therefore, it has been classified as a Variant of Uncertain Significance.